The following is an entry in ClinVar:

ClinVar aggregate classification (germline): Likely pathogenic (1 of 4 stars; one submission).

Submission:

Labcorp Genetics (formerly Invitae), Labcorp
Classification: Likely pathogenic. Last evaluated: 2023-07-25. Review status: criteria provided, single submitter. Criteria: Invitae Variant Classification Sherloc (09022015). Collection method: clinical testing. Allele origin: germline.
Comment: In summary, the currently available evidence indicates that the variant is pathogenic, but additional data are needed to prove that conclusively. Therefore, this variant has been classified as Likely Pathogenic. Algorithms developed to predict the effect of sequence changes on RNA splicing suggest that this variant may disrupt the consensus splice site. This variant has not been reported in the literature in individuals affected with COL7A1-related conditions. This variant is not present in population databases (gnomAD no frequency). This sequence change affects an acceptor splice site in intron 44 of the COL7A1 gene. It is expected to disrupt RNA splicing. Variants that disrupt the donor or acceptor splice site typically lead to a loss of protein function (PMID: 16199547), and loss-of-function variants in COL7A1 are known to be pathogenic (PMID: 16971478).

Literature cited by the submitters: PubMed 16199547; PubMed 16971478.

NM_000094.4(COL7A1):c.4564-2A>C

Gene: COL7A1 (collagen type VII alpha 1 chain; minus strand). Cytogenetic location: 3p21.31.
Variant type: single nucleotide variant.
Coding change: c.4564-2A>C on transcript NM_000094.4 (MANE Select); the canonical splice acceptor site of the intron before coding-DNA position 4564, A replaced by C.
Molecular consequence: splice acceptor variant.
Genome position (GRCh38, 1-based): chr3:48,582,515, T>G on the plus strand (A>C on the coding strand, the complement: COL7A1 is on the minus strand). VCF-style: chr3-48582515-T-G. GRCh37 (hg19) VCF-style: chr3-48619948-T-G.
Identifiers: ClinVar variation 2739254 (VCV002739254.3), dbSNP rs2044838446, ClinGen allele CA352688315.
Genomic context (GRCh38, chr3:48,582,515, plus strand): 5'-GCCACCCCCAGCCGAGGACCCACCTTCTCTCCTTGGCGGCCAGTGGGTCCTGGTGGCCCC[T>G]GAATGTAGAGAAAGTGTGAGCCCAGGAGGGGAAGGGAAAGGGGAGGGACACACAAAAGTC-3'